The following is an entry in ClinVar:

NM_001114753.3(ENG):c.68-4A>G

Gene: ENG (endoglin; minus strand). Cytogenetic location: 9q34.11.
Variant type: single nucleotide variant.
Coding change: c.68-4A>G on transcript NM_001114753.3 (MANE Select); 4 bases into the intron before coding-DNA position 68, A replaced by G.
Molecular consequence: intron variant.
Genome position (GRCh38, 1-based): chr9:127,843,249, T>C on the plus strand (A>G on the coding strand, the complement: ENG is on the minus strand). VCF-style: chr9-127843249-T-C. GRCh37 (hg19) VCF-style: chr9-130605528-T-C.
Other names: c.68-4A>G (NM_000118.4, NM_001406715.1); c.-479-4A>G (NM_001278138.2).
Identifiers: ClinVar variation 568039 (VCV000568039.12), dbSNP rs1564462843, ClinGen allele CA891842535.

ClinVar aggregate classification (germline): Uncertain significance. Review status: criteria provided, multiple submitters, no conflicts (2 of 4 stars). 3 submissions from 3 submitters: Uncertain significance (3). Last evaluated 2026-05-07.

Conditions:
Telangiectasia, hereditary hemorrhagic, type 1 (HHT1). Also called: Osler Weber Rendu syndrome type 1; ENG-Related Hereditary Hemorrhagic Telangiectasia. Identifiers: Orphanet 774, MedGen C4551861, MONDO:0008535, OMIM 187300. Disease mechanism: loss of function.
Hereditary hemorrhagic telangiectasia (HHT). Also called: Osler hemorrhagic telangiectasia syndrome; ORW DISEASE; Osler Weber Rendu syndrome; OSLER-RENDU-WEBER DISEASE. Identifiers: Orphanet 774, MedGen C0039445, MONDO:0019180. Disease mechanism: loss of function.

Allele frequency attached by ClinVar (database versions not stated): gnomAD exomes below 0.00001.

Submissions (3):

Clinical Genomics Laboratory, Washington University in St. Louis
Classification: Uncertain significance for Telangiectasia, hereditary hemorrhagic, type 1. Last evaluated: 2026-05-07. Review status: criteria provided, single submitter. Criteria: ACMG Guidelines, 2015. Collection method: clinical testing. Allele origin: germline.
Comment: An ENG c.68-4A>G variant was identified at a near heterozygous allelic fraction of 48.7%, a frequency which may be consistent with germline origin. This variant, to our knowledge, has not been reported in the medical literature but has been reported in the ClinVar database as a germline variant of uncertain significance by two submitters (Variation ID: 568039). It is only observed on 1/1,614,208 alleles in the general population (gnomAD v4.1.1), indicating it is not a common variant. Due to limited information, and based on ACMG/AMP guidelines for variant interpretation (Richards S et al., PMID: 25741868), the clinical significance of this variant is uncertain at this time.

ARUP Laboratories, Molecular Genetics and Genomics, ARUP Laboratories
Classification: Uncertain significance for Telangiectasia, hereditary hemorrhagic, type 1. Last evaluated: 2024-05-29. Review status: criteria provided, single submitter. Criteria: ARUP Molecular Germline Variant Investigation Process 2024. Collection method: clinical testing. Allele origin: germline.
Comment: The ENG c.68-4A>G variant (rs1564462843), to our knowledge, is not reported in the medical literature but is reported in ClinVar (Variation ID: 568039). This variant is absent from the Genome Aggregation Database (v2.1.1), indicating it is not a common polymorphism. This is an intronic variant and computational analyses (Alamut Visual Plus v.1.5.1) predict that this variant may impact splicing. Due to limited information, the clinical significance of this variant is uncertain at this time.

Labcorp Genetics (formerly Invitae), Labcorp
Classification: Uncertain significance for Hereditary hemorrhagic telangiectasia. Last evaluated: 2018-03-28. Review status: criteria provided, single submitter. Criteria: Invitae Variant Classification Sherloc (09022015). Collection method: clinical testing. Allele origin: germline.
Comment: Algorithms developed to predict the effect of sequence changes on RNA splicing suggest that this variant may disrupt the consensus splice site, but this prediction has not been confirmed by published transcriptional studies. This variant has not been reported in the literature in individuals with ENG-related disease. This variant is not present in population databases (ExAC no frequency). This sequence change falls in intron 1 of the ENG gene. It does not directly change the encoded amino acid sequence of the ENG protein. In summary, the available evidence is currently insufficient to determine the role of this variant in disease. Therefore, it has been classified as a Variant of Uncertain Significance.